The following is an entry in ClinVar:

NM_001378609.3(OTOGL):c.6727T>A (p.Cys2243Ser)

Gene: OTOGL (otogelin like; plus strand). Cytogenetic location: 12q21.31.
Variant type: single nucleotide variant.
Coding change: c.6727T>A on transcript NM_001378609.3 (MANE Select); coding-DNA position 6727, T replaced by A.
Protein change: p.Cys2243Ser; replaces cysteine 2243 with serine.
Molecular consequence: missense variant.
Genome position (GRCh38, 1-based): chr12:80,370,681, T>A. VCF-style: chr12-80370681-T-A. GRCh37 (hg19) VCF-style: chr12-80764461-T-A.
Other names: c.6592T>A, p.Cys2198Ser (NM_001368062.3); c.6727T>A, p.Cys2243Ser (NM_001378610.3, NM_173591.7); short protein forms C2198S, C2243S.
Identifiers: ClinVar variation 3354979 (VCV003354979.1).
Genomic context (GRCh38, chr12:80,370,681, plus strand): 5'-GATGAAGGAGCAATAATTCTGAACTACACAATGGTCTGTCCCCCTTTTAATGAGACTGAA[T>A]GCAAAATGGTTTGTACTTTGTTGTATCTAAGAAAATTTATTATTATATAATTTAGAAAAT-3'
Protein context (NP_001365538.2, residues 2233-2253): MVCPPFNETE[Cys2243Ser]KMNEGIVKLY

ClinVar aggregate classification (germline): Uncertain significance (0 of 4 stars; one submission).

Conditions:
OTOGL-related disorder. Also called: OTOGL-related condition.

gnomAD v4.1: 7 of 1,574,322 alleles (0.00044%); highest among the groups gnomAD compares: African/African-American, 0.0054%; no homozygotes.

Submission:

PreventionGenetics, part of Exact Sciences
Classification: Uncertain significance for OTOGL-related condition. Last evaluated: 2024-08-05. Review status: no assertion criteria provided. Collection method: clinical testing. Allele origin: germline.
Comment: The OTOGL c.6700T>A variant is predicted to result in the amino acid substitution p.Cys2234Ser. To our knowledge, this variant has not been reported in the literature. This variant is reported in 0.0033% of alleles in individuals of Latino descent in gnomAD. At this time, the clinical significance of this variant is uncertain due to the absence of conclusive functional and genetic evidence.